The following is an entry in ClinVar:

NM_003922.4(HERC1):c.621A>G (p.Ser207=)

Gene: HERC1 (HECT and RLD domain containing E3 ubiquitin protein ligase family member 1; minus strand). Cytogenetic location: 15q22.31.
Variant type: single nucleotide variant.
Coding change: c.621A>G on transcript NM_003922.4 (MANE Select); coding-DNA position 621, A replaced by G.
Protein change: p.Ser207=; no amino-acid change (serine 207 retained).
Molecular consequence: synonymous variant.
Genome position (GRCh38, 1-based): chr15:63,775,003, T>C on the plus strand (A>G on the coding strand, the complement: HERC1 is on the minus strand). VCF-style: chr15-63775003-T-C. GRCh37 (hg19) VCF-style: chr15-64067202-T-C.
Identifiers: ClinVar variation 2046213 (VCV002046213.28), dbSNP rs376415713, ClinGen allele CA7606627.

ClinVar aggregate classification (germline): Benign. Review status: criteria provided, multiple submitters, no conflicts (2 of 4 stars). 2 submissions from 2 submitters: Benign (2). Last evaluated 2025-10-01.

Allele frequency attached by ClinVar (database versions not stated): ESP Exome Variant Server 0.00025; gnomAD exomes 0.00074; 1000 Genomes Project 30x 0.00109; 1000 Genomes Project 0.00140; ExAC 0.00148.
gnomAD v4.1: 1,136 of 1,614,028 alleles (0.07%); highest among the groups gnomAD compares: South Asian, 1%; 17 homozygotes.

Submissions (2):

CeGaT Center for Human Genetics Tuebingen
Classification: Benign. Last evaluated: 2025-10-01. Review status: criteria provided, single submitter. Criteria: CeGaT Center For Human Genetics Tuebingen Variant Classification Criteria Version 2. Collection method: clinical testing. Allele origin: germline. Affected: yes. Observed: 8 variant alleles.
Comment: HERC1: BP4, BP7, BS1, BS2

Labcorp Genetics (formerly Invitae), Labcorp
Classification: Benign. Last evaluated: 2025-09-29. Review status: criteria provided, single submitter. Criteria: Invitae Variant Classification Sherloc (09022015). Collection method: clinical testing. Allele origin: germline.